The following is an entry in ClinVar:

ClinVar aggregate classification (germline): Pathogenic (1 of 4 stars; one submission).

Conditions:
Axenfeld-Rieger syndrome type 3 (RIEG3). Also called: AXENFELD-RIEGER ANOMALY WITH CARDIAC DEFECTS AND/OR SENSORINEURAL HEARING LOSS. Identifiers: Orphanet 782, MedGen C2678503, MONDO:0011233, OMIM 602482.

Submission:

Labcorp Genetics (formerly Invitae), Labcorp
Classification: Pathogenic for Axenfeld-Rieger syndrome type 3. Last evaluated: 2023-08-01. Review status: criteria provided, single submitter. Criteria: Invitae Variant Classification Sherloc (09022015). Collection method: clinical testing. Allele origin: germline.
Comment: This variant is not present in population databases (gnomAD no frequency). This variant has not been reported in the literature in individuals affected with FOXC1-related conditions. This variant disrupts a region of the FOXC1 protein in which other variant(s) (p.Leu130Phe ) have been determined to be pathogenic (PMID: 17197537, 17210863). This suggests that this is a clinically significant region of the protein, and that variants that disrupt it are likely to be disease-causing. For these reasons, this variant has been classified as Pathogenic. This sequence change creates a premature translational stop signal (p.Leu130Argfs*50) in the FOXC1 gene. While this is not anticipated to result in nonsense mediated decay, it is expected to disrupt the last 424 amino acid(s) of the FOXC1 protein.

Literature cited by the submitters: PubMed 17197537; PubMed 17210863.

NM_001453.3(FOXC1):c.389_392del (p.Leu130fs)

Gene: FOXC1 (forkhead box C1; plus strand). Cytogenetic location: 6p25.3.
Variant type: Deletion.
Coding change: c.389_392del on transcript NM_001453.3 (MANE Select); coding-DNA positions 389 to 392, 4 bases deleted (TCTC; older notation c.389_392delTCTC).
Protein change: p.Leu130fs; shifts the reading frame from leucine 130.
Molecular consequence: frameshift variant.
Genome position (GRCh38, 1-based): chr6:1,610,834-1,610,837, TCTC deleted; deleting any 4 consecutive bases within chr6:1,610,833-1,610,837 gives the same sequence; the c. name uses the placement nearest the transcript's 3' end. VCF-style (leftmost placement, unchanged base first): chr6-1610832-CCTCT-C. GRCh37 (hg19) VCF-style: chr6-1611067-CCTCT-C.
Other names: short protein forms L130fs.
Identifiers: ClinVar variation 2860824 (VCV002860824.3), dbSNP rs2480502469, ClinGen allele CA2739272831.